The following is an entry in ClinVar:

ClinVar aggregate classification (germline): Uncertain significance (1 of 4 stars; one submission).

Conditions:
Cardiovascular phenotype. Identifiers: MedGen CN230736.

gnomAD v4.1: 1 of 1,614,098 alleles (0.000062%); highest among the groups gnomAD compares: Non-Finnish European, 0.000085%; no homozygotes.

Submission:

Ambry Genetics
Classification: Uncertain significance for Cardiovascular phenotype. Last evaluated: 2024-05-17. Review status: criteria provided, single submitter. Criteria: Ambry Variant Classification Scheme 2023. Collection method: clinical testing. Allele origin: germline.
Comment: The p.E404D variant (also known as c.1212G>T), located in coding exon 12 of the CACNB2 gene, results from a G to T substitution at nucleotide position 1212. The glutamic acid at codon 404 is replaced by aspartic acid, an amino acid with highly similar properties. This amino acid position is conserved. In addition, the in silico prediction for this alteration is inconclusive. Based on the available evidence, the clinical significance of this variant remains unclear.

NM_201596.3(CACNB2):c.1374G>T (p.Glu458Asp)

Gene: CACNB2 (calcium voltage-gated channel auxiliary subunit beta 2; plus strand). Cytogenetic location: 10p12.31.
Variant type: single nucleotide variant.
Coding change: c.1374G>T on transcript NM_201596.3 (MANE Select); coding-DNA position 1374, G replaced by T.
Protein change: p.Glu458Asp; replaces glutamic acid 458 with aspartic acid.
Molecular consequence: missense variant.
Genome position (GRCh38, 1-based): chr10:18,538,251, G>T. VCF-style: chr10-18538251-G-T. GRCh37 (hg19) VCF-style: chr10-18827180-G-T.
Other names: c.1209G>T, p.Glu403Asp (NM_000724.4); c.1176G>T, p.Glu392Asp (NM_001167945.2); c.1095G>T, p.Glu365Asp (NM_001330060.2); c.1116G>T, p.Glu372Asp (NM_001410882.1); c.1230G>T, p.Glu410Asp (NM_201570.3); c.1290G>T, p.Glu430Asp (NM_201571.4); c.1218G>T, p.Glu406Asp (NM_201572.4); c.1212G>T, p.Glu404Asp (NM_201590.3); and 2 more; short protein forms E392D, E404D, E410D, E372D, E406D, E430D, E458D, E365D.
Identifiers: ClinVar variation 3262854 (VCV003262854.1).